The following is an entry in ClinVar:

NM_000368.5(TSC1):c.3069C>T (p.Pro1023=)

Gene: TSC1 (TSC complex subunit 1; minus strand). Cytogenetic location: 9q34.13.
Variant type: single nucleotide variant.
Coding change: c.3069C>T on transcript NM_000368.5 (MANE Select); coding-DNA position 3069, C replaced by T.
Protein change: p.Pro1023=; no amino-acid change (proline 1023 retained).
Molecular consequence: synonymous variant.
Genome position (GRCh38, 1-based): chr9:132,896,661, G>A on the plus strand (C>T on the coding strand, the complement: TSC1 is on the minus strand). VCF-style: chr9-132896661-G-A. GRCh37 (hg19) VCF-style: chr9-135772048-G-A.
Other names: c.3066C>T, p.Pro1022= (NM_001162426.2); c.2916C>T, p.Pro972= (NM_001162427.2); c.2706C>T, p.Pro902= (NM_001362177.2).
Identifiers: ClinVar variation 711403 (VCV000711403.16), dbSNP rs1588287899, ClinGen allele CA467812998.
Genomic context (GRCh38, chr9:132,896,661, plus strand): 5'-GCTGCTGCTGCTGCTGCTGCCTCCACCACCTCTGCTTCCACTACTGCCCCGGGCGCTGCT[G>A]GGCCTGGGGGTCTTGGTCTCACCGTTGTGGCCAGATGCCTCTTCATTGTGCCCTACCATG-3'
Protein context (NP_000359.1, residues 1013-1033): GHNGETKTPR[Pro1023=]SSARGSSGSR

ClinVar aggregate classification (germline): Benign/Likely benign. Review status: criteria provided, multiple submitters, no conflicts (2 of 4 stars). 5 submissions from 5 submitters: Benign (1); Likely benign (4). Last evaluated 2025-10-20.

Conditions:
Hereditary cancer-predisposing syndrome. Also called: Tumor predisposition; Hereditary neoplastic syndrome; Neoplastic Syndromes, Hereditary; Hereditary Cancer Syndrome. Identifiers: Orphanet 140162, MedGen C0027672, MeSH D009386, MONDO:0015356.
Tuberous sclerosis 1 (TSC1). Identifiers: Orphanet 805, MedGen C1854465, MONDO:0008612, OMIM 191100.
Tuberous sclerosis syndrome (TSC). Also called: Tuberous Sclerosis Complex; Tuberous sclerosis. Identifiers: Orphanet 805, MedGen C0041341, MONDO:0001734.

Submissions (5):

Labcorp Genetics (formerly Invitae), Labcorp
Classification: Likely benign for Tuberous sclerosis 1. Last evaluated: 2025-10-20. Review status: criteria provided, single submitter. Criteria: Invitae Variant Classification Sherloc (09022015). Collection method: clinical testing. Allele origin: germline.

Myriad Genetics, Inc.
Classification: Benign for Tuberous sclerosis 1. Last evaluated: 2025-04-29. Review status: criteria provided, single submitter. Criteria: Myriad Autosomal Dominant, Autosomal Recessive and X-Linked Classification Criteria (2023). Collection method: clinical testing. Allele origin: unknown.
Comment: This variant is considered benign. This variant is a silent/synonymous amino acid change and it is not expected to impact splicing.

All of Us Research Program, National Institutes of Health
Classification: Likely benign for Tuberous sclerosis syndrome. Last evaluated: 2023-06-26. Review status: criteria provided, single submitter. Criteria: ACMG Guidelines, 2015. Collection method: clinical testing. Allele origin: germline. Inheritance: Autosomal dominant inheritance. Observed: 1 variant allele, 1 heterozygote.
Comment: This study involves interpretation of variants in research participants for the purpose of population health screening. Participant phenotype was not available at the time of variant classification. Additional details can be found in publication PMID: 35346344, PMCID: PMC8962531

Sema4
Classification: Likely benign for Hereditary cancer-predisposing syndrome. Last evaluated: 2021-10-25. Review status: criteria provided, single submitter. Criteria: Sema4 Curation Guidelines. Collection method: curation. Allele origin: germline.

Ambry Genetics
Classification: Likely benign for Hereditary cancer-predisposing syndrome. Last evaluated: 2020-08-07. Review status: criteria provided, single submitter. Criteria: Ambry Variant Classification Scheme 2023. Collection method: clinical testing. Allele origin: germline.